The following is an entry in ClinVar:

ClinVar aggregate classification (germline): Uncertain significance (1 of 4 stars; one submission).

Submission:

Labcorp Genetics (formerly Invitae), Labcorp
Classification: Uncertain significance. Last evaluated: 2025-05-04. Review status: criteria provided, single submitter. Criteria: Invitae Variant Classification Sherloc (09022015). Collection method: clinical testing. Allele origin: germline.
Comment: This sequence change replaces glutamic acid, which is acidic and polar, with lysine, which is basic and polar, at codon 345 of the COL4A1 protein (p.Glu345Lys). This variant is not present in population databases (gnomAD no frequency). This variant has not been reported in the literature in individuals affected with COL4A1-related conditions. Invitae Evidence Modeling of protein sequence and biophysical properties (such as structural, functional, and spatial information, amino acid conservation, physicochemical variation, residue mobility, and thermodynamic stability) indicates that this missense variant is not expected to disrupt COL4A1 protein function with a negative predictive value of 95%. In summary, the available evidence is currently insufficient to determine the role of this variant in disease. Therefore, it has been classified as a Variant of Uncertain Significance.

NM_001845.6(COL4A1):c.1033G>A (p.Glu345Lys)

Gene: COL4A1 (collagen type IV alpha 1 chain; minus strand). Cytogenetic location: 13q34.
Variant type: single nucleotide variant.
Coding change: c.1033G>A on transcript NM_001845.6 (MANE Select); coding-DNA position 1033, G replaced by A.
Protein change: p.Glu345Lys; replaces glutamic acid 345 with lysine.
Molecular consequence: missense variant.
Genome position (GRCh38, 1-based): chr13:110,201,489, C>T on the plus strand (G>A on the coding strand, the complement: COL4A1 is on the minus strand). VCF-style: chr13-110201489-C-T. GRCh37 (hg19) VCF-style: chr13-110853836-C-T.
Other names: c.1033G>A, p.Glu345Lys (NM_001303110.2); short protein forms E345K.
Identifiers: ClinVar variation 4805201 (VCV004805201.1).
Genomic context (GRCh38, chr13:110,201,489, plus strand): 5'-GAAAGCTACCTTTTGGGCCTGGCTCTCCTCTTGGCCCCGGAGTTCCAGGGTAGCCCCTCT[C>T]TCCTTTTTCTCCCAAAGGTCCTGTGCCTATAACCTGAATCGAGAAGGAAAAGGTGATCAT-3'
Protein context (NP_001836.3, residues 335-355): IGTGPLGEKG[Glu345Lys]RGYPGTPGPR